The following is an entry in ClinVar:

NM_005045.4(RELN):c.5688T>C (p.Asp1896=)

Gene: RELN (reelin; minus strand). Cytogenetic location: 7q22.1.
Variant type: single nucleotide variant.
Coding change: c.5688T>C on transcript NM_005045.4 (MANE Select); coding-DNA position 5688, T replaced by C.
Protein change: p.Asp1896=; no amino-acid change (aspartic acid 1896 retained).
Molecular consequence: synonymous variant.
Genome position (GRCh38, 1-based): chr7:103,557,086, A>G on the plus strand (T>C on the coding strand, the complement: RELN is on the minus strand). VCF-style: chr7-103557086-A-G. GRCh37 (hg19) VCF-style: chr7-103197533-A-G.
Other names: c.5688T>C, p.Asp1896= (NM_173054.3).
Identifiers: ClinVar variation 3047346 (VCV003047346.2), dbSNP rs1175750447, ClinGen allele CA457016730.

ClinVar aggregate classification (germline): Likely benign (0 of 4 stars; one submission).

Conditions:
RELN-related disorder. Also called: RELN-related condition.

Allele frequency attached by ClinVar (database versions not stated): TOPMed 0.00001.

Submission:

PreventionGenetics, part of Exact Sciences
Classification: Likely benign for RELN-related condition. Last evaluated: 2022-11-30. Review status: no assertion criteria provided. Collection method: clinical testing. Allele origin: germline.
Comment: This variant is classified as likely benign based on ACMG/AMP sequence variant interpretation guidelines (Richards et al. 2015 PMID: 25741868, with internal and published modifications).